The following is an entry in ClinVar:

NM_001134831.2(AHI1):c.3271G>A (p.Gly1091Ser)

Gene: AHI1 (Abelson helper integration site 1; minus strand). Cytogenetic location: 6q23.3.
Variant type: single nucleotide variant.
Coding change: c.3271G>A on transcript NM_001134831.2 (MANE Select); coding-DNA position 3271, G replaced by A.
Protein change: p.Gly1091Ser; replaces glycine 1091 with serine.
Molecular consequence: missense variant.
Genome position (GRCh38, 1-based): chr6:135,323,219, C>T on the plus strand (G>A on the coding strand, the complement: AHI1 is on the minus strand). VCF-style: chr6-135323219-C-T. GRCh37 (hg19) VCF-style: chr6-135644357-C-T.
Other names: c.3271G>A, p.Gly1091Ser (NM_001134830.2, NM_001350503.2, NM_001350504.2 and 1 more transcripts); c.3271G>A (NM_017651.4); short protein forms G1091S.
Identifiers: ClinVar variation 1011081 (VCV001011081.7), dbSNP rs750829579, ClinGen allele CA4012056.

ClinVar aggregate classification (germline): Uncertain significance. Review status: criteria provided, multiple submitters, no conflicts (2 of 4 stars). 4 submissions from 4 submitters: Uncertain significance (4). Last evaluated 2025-10-13.

Conditions:
AHI1-related disorder. Also called: AHI1-related condition.
Inborn genetic diseases. Identifiers: MedGen C0950123, MeSH D030342.
Joubert syndrome. Also called: Familial aplasia of the vermis; JOUBERT-BOLTSHAUSER SYNDROME. Identifiers: Orphanet 475, MedGen C5979921, MONDO:0018772.

Allele frequency attached by ClinVar (database versions not stated): gnomAD 0.00001; ExAC 0.00003; gnomAD exomes 0.00003 and 0.00005; TOPMed 0.00003.
gnomAD v4.1: 41 of 1,613,694 alleles (0.0025%); highest among the groups gnomAD compares: Admixed American, 0.02%; 1 homozygote.

Submissions (4):

PreventionGenetics, part of Exact Sciences
Classification: Uncertain significance for AHI1-related condition. Last evaluated: 2025-10-13. Review status: criteria provided, single submitter. Criteria: ACMG Guidelines, 2015. Collection method: clinical testing. Allele origin: germline.
Comment: The AHI1 c.3271G>A variant is predicted to result in the amino acid substitution p.Gly1091Ser. To our knowledge, this variant has not been reported in the literature. This variant is reported in 0.026% of alleles in individuals of Latino descent in gnomAD. At this time, the clinical significance of this variant is uncertain due to the absence of conclusive functional and genetic evidence.

Ambry Genetics
Classification: Uncertain significance for Inborn genetic diseases. Last evaluated: 2025-04-10. Review status: criteria provided, single submitter. Criteria: Ambry Variant Classification Scheme 2023. Collection method: clinical testing. Allele origin: germline.

Labcorp Genetics (formerly Invitae), Labcorp
Classification: Uncertain significance for Joubert syndrome. Last evaluated: 2022-05-29. Review status: criteria provided, single submitter. Criteria: Invitae Variant Classification Sherloc (09022015). Collection method: clinical testing. Allele origin: germline.
Comment: This sequence change replaces glycine, which is neutral and non-polar, with serine, which is neutral and polar, at codon 1091 of the AHI1 protein (p.Gly1091Ser). This variant is present in population databases (rs750829579, gnomAD 0.02%). This variant has not been reported in the literature in individuals affected with AHI1-related conditions. ClinVar contains an entry for this variant (Variation ID: 1011081). Advanced modeling of protein sequence and biophysical properties (such as structural, functional, and spatial information, amino acid conservation, physicochemical variation, residue mobility, and thermodynamic stability) performed at Invitae indicates that this missense variant is expected to disrupt AHI1 protein function. In summary, the available evidence is currently insufficient to determine the role of this variant in disease. Therefore, it has been classified as a Variant of Uncertain Significance.

Blueprint Genetics
Classification: Uncertain significance. Last evaluated: 2020-11-13. Review status: criteria provided, single submitter. Criteria: ACMG Guidelines, 2015. Collection method: clinical testing. Allele origin: germline.